The following is an entry in ClinVar:

ClinVar aggregate classification (germline): Likely benign. Review status: criteria provided, multiple submitters, no conflicts (2 of 4 stars). 2 submissions from 2 submitters: Likely benign (2). Last evaluated 2025-06-25.

Conditions:
HFM1-related disorder. Also called: HFM1-related condition.

gnomAD v4.1: 709 of 1,503,762 alleles (0.047%); highest among the groups gnomAD compares: African/African-American, 0.79%; 1 homozygote.

Submissions (5):

PreventionGenetics, part of Exact Sciences
Classification: Likely benign for HFM1-related condition. Last evaluated: 2025-06-25. Review status: criteria provided, single submitter. Criteria: ACMG Guidelines, 2015. Collection method: clinical testing. Allele origin: germline.
Comment: This variant is classified as likely benign based on ACMG/AMP sequence variant interpretation guidelines (Richards et al. 2015 PMID: 25741868, with internal and published modifications).

Blueprint Genetics
Classification: Likely benign. Last evaluated: 2024-07-05. Review status: criteria provided, single submitter. Criteria: ACMG Guidelines, 2015. Collection method: clinical testing. Allele origin: germline.

Dr. Peter K. Rogan Lab, Western University
No classification provided (evidence only). Condition: Acute myeloid leukemia. Review status: no classification provided. Collection method: in vitro. Allele origin: not applicable. Functional consequence: retained intron. Not counted in ClinVar's aggregate classification.

Dr. Peter K. Rogan Lab, Western University
No classification provided (evidence only). Condition: Uterine corpus endometrial carcinoma. Review status: no classification provided. Collection method: in vitro. Allele origin: not applicable. Functional consequence: retained intron. Not counted in ClinVar's aggregate classification.

Dr. Peter K. Rogan Lab, Western University
No classification provided (evidence only). Condition: Uveal melanoma. Review status: no classification provided. Collection method: in vitro. Allele origin: not applicable. Functional consequence: retained intron. Not counted in ClinVar's aggregate classification.

NM_001017975.6(HFM1):c.3771A>G (p.Lys1257=)

Gene: HFM1 (helicase for meiosis 1; minus strand). Cytogenetic location: 1p22.2.
Variant type: single nucleotide variant.
Coding change: c.3771A>G on transcript NM_001017975.6 (MANE Select); coding-DNA position 3771, A replaced by G.
Protein change: p.Lys1257=; no amino-acid change (lysine 1257 retained).
Molecular consequence: synonymous variant. On other transcripts: non-coding transcript variant (1).
Genome position (GRCh38, 1-based): chr1:91,273,713, T>C on the plus strand (A>G on the coding strand, the complement: HFM1 is on the minus strand). VCF-style: chr1-91273713-T-C. GRCh37 (hg19) VCF-style: chr1-91739270-T-C.
Other names: NC_000001.10:g.91739270T>C; c.3771A>G (NM_001017975.4).
Identifiers: ClinVar variation 4484321 (VCV004484321.3).